The following is an entry in ClinVar:

ClinVar aggregate classification (germline): Uncertain significance. Review status: criteria provided, multiple submitters, no conflicts (2 of 4 stars). 4 submissions from 4 submitters: Uncertain significance (4). Last evaluated 2025-04-26.

Conditions:
Inborn genetic diseases. Identifiers: MedGen C0950123, MeSH D030342.
Developmental and epileptic encephalopathy, 18 (DEE18). Also called: Early infantile epileptic encephalopathy 18. Identifiers: Orphanet 369894, MedGen C3809624, MONDO:0014201, OMIM 615476.

Allele frequency attached by ClinVar (database versions not stated): TOPMed 0.00002; gnomAD 0.00005; 1000 Genomes Project 0.00020; 1000 Genomes Project 30x 0.00031; gnomAD exomes 0.00002; ExAC 0.00002; ESP Exome Variant Server 0.00008.
gnomAD v4.1: 41 of 1,601,952 alleles (0.0026%); highest among the groups gnomAD compares: African/African-American, 0.011%; no homozygotes.

Submissions (4):

Labcorp Genetics (formerly Invitae), Labcorp
Classification: Uncertain significance. Last evaluated: 2025-04-26. Review status: criteria provided, single submitter. Criteria: Invitae Variant Classification Sherloc (09022015). Collection method: clinical testing. Allele origin: germline.
Comment: This sequence change replaces proline, which is neutral and non-polar, with leucine, which is neutral and non-polar, at codon 2283 of the SZT2 protein (p.Pro2283Leu). This variant is present in population databases (rs199939601, gnomAD 0.02%). This variant has not been reported in the literature in individuals affected with SZT2-related conditions. ClinVar contains an entry for this variant (Variation ID: 855056). Invitae Evidence Modeling of protein sequence and biophysical properties (such as structural, functional, and spatial information, amino acid conservation, physicochemical variation, residue mobility, and thermodynamic stability) indicates that this missense variant is not expected to disrupt SZT2 protein function with a negative predictive value of 80%. In summary, the available evidence is currently insufficient to determine the role of this variant in disease. Therefore, it has been classified as a Variant of Uncertain Significance.

Ambry Genetics
Classification: Uncertain significance for Inborn genetic diseases. Last evaluated: 2024-08-11. Review status: criteria provided, single submitter. Criteria: Ambry Variant Classification Scheme 2023. Collection method: clinical testing. Allele origin: germline.

Genome-Nilou Lab
Classification: Uncertain significance for Developmental and epileptic encephalopathy, 18. Last evaluated: 2023-04-11. Review status: criteria provided, single submitter. Criteria: ACMG Guidelines, 2015. Collection method: clinical testing. Allele origin: germline. Affected: no.

GeneDx
Classification: Uncertain significance. Last evaluated: 2019-04-08. Review status: criteria provided, single submitter. Criteria: GeneDx Variant Classification Process June 2021. Collection method: clinical testing. Allele origin: germline. Affected: yes.
Comment: In silico analysis, which includes protein predictors and evolutionary conservation, supports that this variant does not alter protein structure/function; Has not been previously published as pathogenic or benign to our knowledge

NM_001365999.1(SZT2):c.7019C>T (p.Pro2340Leu)

Gene: SZT2 (SZT2 subunit of KICSTOR complex; plus strand). Cytogenetic location: 1p34.2.
Variant type: single nucleotide variant.
Coding change: c.7019C>T on transcript NM_001365999.1 (MANE Select); coding-DNA position 7019, C replaced by T.
Protein change: p.Pro2340Leu; replaces proline 2340 with leucine.
Molecular consequence: missense variant.
Genome position (GRCh38, 1-based): chr1:43,439,746, C>T. VCF-style: chr1-43439746-C-T. GRCh37 (hg19) VCF-style: chr1-43905417-C-T.
Other names: c.6848C>T, p.Pro2283Leu (NM_015284.4); short protein forms P2283L, P2340L.
Identifiers: ClinVar variation 855056 (VCV000855056.13), dbSNP rs199939601, ClinGen allele CA810079.